The following is an entry in ClinVar:

ClinVar aggregate classification (germline): Uncertain significance (1 of 4 stars; one submission).

Submission:

GeneDx
Classification: Uncertain significance. Last evaluated: 2026-02-06. Review status: criteria provided, single submitter. Criteria: GeneDx Variant Classification Process June 2021. Collection method: clinical testing. Allele origin: germline.
Comment: Not observed at significant frequency in large population cohorts (gnomAD); In silico analysis supports that this missense variant has a deleterious effect on protein structure/function; Has not been previously published as pathogenic or benign to our knowledge

NM_007129.5(ZIC2):c.1032C>G (p.Phe344Leu)

Gene: ZIC2 (Zic family zinc finger 2; plus strand). Cytogenetic location: 13q32.3.
Variant type: single nucleotide variant.
Coding change: c.1032C>G on transcript NM_007129.5 (MANE Select); coding-DNA position 1032, C replaced by G.
Protein change: p.Phe344Leu; replaces phenylalanine 344 with leucine.
Molecular consequence: missense variant.
Genome position (GRCh38, 1-based): chr13:99,983,096, C>G. VCF-style: chr13-99983096-C-G. GRCh37 (hg19) VCF-style: chr13-100635350-C-G.
Other names: short protein forms F344L.
Identifiers: ClinVar variation 3375529 (VCV003375529.2).